The following is an entry in ClinVar:

ClinVar aggregate classification (germline): Pathogenic. Review status: criteria provided, multiple submitters, no conflicts (2 of 4 stars). 4 submissions from 4 submitters: Pathogenic (3). 1 of the submissions does not count toward it. Last evaluated 2026-08-28.

Conditions:
HNF1B-related disorder. Also called: HNF1B-related condition; HNF1B-related disorders.
Renal cysts and diabetes syndrome (RCAD). Also called: Familial hypoplastic, glomerulocystic kidney; MATURITY-ONSET DIABETES OF THE YOUNG, TYPE 5. Identifiers: Orphanet 93111, MedGen C0431693, MONDO:0007669, OMIM 137920.

Submissions (4):

PreventionGenetics, part of Exact Sciences
Classification: Pathogenic for HNF1B-related condition. Last evaluated: 2026-08-28. Review status: criteria provided, single submitter. Criteria: ACMG Guidelines, 2015. Collection method: clinical testing. Allele origin: germline.
Comment: The HNF1B c.544+1G>T variant is predicted to disrupt the GT donor site and interfere with normal splicing. This variant has been reported to be pathogenic for HNF1B-related disorders (see for example, reported as IVS2+1G>T in Bingham et al. 2003. PubMed ID: 12675839; Nagano et al. 2019. PubMed ID: 31131422; Topak et al. 2023. PubMed ID: 37078890). This variant has not been reported in a large population database (gnomAD), indicating this variant is rare. Variants that disrupt the consensus splice donor site in HNF1B are expected to be pathogenic. This variant is interpreted as pathogenic.

GeneDx
Classification: Pathogenic. Last evaluated: 2022-08-15. Review status: criteria provided, single submitter. Criteria: GeneDx Variant Classification Process June 2021. Collection method: clinical testing. Allele origin: germline. Affected: yes.
Comment: Canonical splice site variant predicted to result in a null allele in a gene for which loss-of-function is a known mechanism of disease; Not observed at significant frequency in large population cohorts (gnomAD); This variant is associated with the following publications: (PMID: 31131422, 12675839, 25525159, 33527355, 19389850, 15068978, 15930087)

Institute of Human Genetics, FAU Erlangen, Friedrich-Alexander-Universität Erlangen-Nürnberg
Classification: Pathogenic for Renal cysts and diabetes syndrome. Last evaluated: 2019-07-06. Review status: criteria provided, single submitter. Criteria: ACMG Guidelines, 2015. Collection method: literature only. Allele origin: germline. Affected: yes.
Comment: This variant and it's classification has been reported by Vasileiou et al. 2019; DOI:10.1101/576918. The variants has previously been reported in ClinVar:12644; PMID:19389850; PMID:25700310; PMID:15068978; PMID:26319241; PMID:12675839; PMID:24897035; PMID:15930087; PMID:25536396 as "HNF1B, IVS2DS, G-T, +1; c.544+1G>T, IVS2+1G>T; c.544+1G>T; c.544+1 G>T Splice site mutation; c.544+1G>T" with clinical significance Pathogenic. It has been re-classified using InterVar and manual curation as Pathogenic based on PVS1 PM2 PP3.

OMIM
Classification: Pathogenic for RENAL CYSTS AND DIABETES SYNDROME. Last evaluated: 2003-05-01. Review status: no assertion criteria provided. Collection method: literature only. Allele origin: germline. Not counted in ClinVar's aggregate classification.

Literature cited by the submitters: PubMed 19389850 (cited by Institute of Human Genetics, FAU Erlangen, Friedrich-Alexander-Universität Erlangen-Nürnberg); PubMed 25700310 (cited by Institute of Human Genetics, FAU Erlangen, Friedrich-Alexander-Universität Erlangen-Nürnberg); PubMed 15068978 (cited by Institute of Human Genetics, FAU Erlangen, Friedrich-Alexander-Universität Erlangen-Nürnberg); PubMed 26319241 (cited by Institute of Human Genetics, FAU Erlangen, Friedrich-Alexander-Universität Erlangen-Nürnberg); PubMed 12675839 (cited by Institute of Human Genetics, FAU Erlangen, Friedrich-Alexander-Universität Erlangen-Nürnberg and OMIM); PubMed 24897035 (cited by Institute of Human Genetics, FAU Erlangen, Friedrich-Alexander-Universität Erlangen-Nürnberg); PubMed 15930087 (cited by Institute of Human Genetics, FAU Erlangen, Friedrich-Alexander-Universität Erlangen-Nürnberg); PubMed 25536396 (cited by Institute of Human Genetics, FAU Erlangen, Friedrich-Alexander-Universität Erlangen-Nürnberg); DOI 10.1101/576918 (cited by Institute of Human Genetics, FAU Erlangen, Friedrich-Alexander-Universität Erlangen-Nürnberg); PubMed 11317673 (cited by OMIM).

NM_000458.4(HNF1B):c.544+1G>T

Gene: HNF1B (HNF1 homeobox B; minus strand). Cytogenetic location: 17q12.
Variant type: single nucleotide variant.
Coding change: c.544+1G>T on transcript NM_000458.4 (MANE Select); the canonical splice donor site of the intron after coding-DNA position 544, G replaced by T.
Molecular consequence: splice donor variant.
Genome position (GRCh38, 1-based): chr17:37,739,439, C>A on the plus strand (G>T on the coding strand, the complement: HNF1B is on the minus strand). VCF-style: chr17-37739439-C-A. GRCh37 (hg19) VCF-style: chr17-36099430-C-A.
Other names: IVS2DS, G-T, +1; c.544+1G>T (NM_001304286.2, NM_001165923.4, NM_001411100.1).
Identifiers: ClinVar variation 12644 (VCV000012644.10), dbSNP rs1568670479, ClinGen allele CA398750992.